The following is an entry in ClinVar:

ClinVar aggregate classification (germline): Benign (0 of 4 stars; one submission).

Submission:

Division of Genomics, Kyushu university
Classification: Benign. Review status: no assertion criteria provided. Collection method: research. Allele origin: unknown, not applicable. Affected: no.
Comment: However, we do NOT think this variant is a causative variant.

NM_001447.3(FAT2):c.8976G>C (p.Gln2992His)

Genes: SLC36A1 (solute carrier family 36 member 1; plus strand), FAT2 (FAT atypical cadherin 2; minus strand). Cytogenetic location: 5q33.1.
Variant type: single nucleotide variant.
Coding change: c.8976G>C on transcript NM_001447.3 (MANE Select); coding-DNA position 8976, G replaced by C.
Protein change: p.Gln2992His; replaces glutamine 2992 with histidine.
Molecular consequence: missense variant.
Genome position (GRCh38, 1-based): chr5:151,540,630, C>G on the plus strand (G>C on the coding strand, the complement: FAT2 is on the minus strand). VCF-style: chr5-151540630-C-G. GRCh37 (hg19) VCF-style: chr5-150920191-C-G.
Other names: short protein forms Q2992H.
Identifiers: ClinVar variation 992659 (VCV000992659.1), dbSNP rs1756035473, ClinGen allele CA361829956.
Genomic context (GRCh38, chr5:151,540,630, plus strand): 5'-TGAACACTGTGGGCTGTTATCATTGACGTCCAGGACAAAGATCTCCACAGTGACCGAAGC[C>G]TGGAACTTGCCATCAGATGCTGTGACTCTGAGCAAGTACTTGGCTGTATGCTCGCGGTCC-3'
Protein context (NP_001438.1, residues 2982-3002): LRVTASDGKF[Gln2992His]ASVTVEIFVL